The following is an entry in ClinVar:

ClinVar aggregate classification (germline): Uncertain significance. Review status: criteria provided, multiple submitters, no conflicts (2 of 4 stars). 2 submissions from 2 submitters: Uncertain significance (2). Last evaluated 2022-07-14.

Conditions:
Capillary malformation-arteriovenous malformation syndrome. Also called: Capillary malformation-arteriovenous malformation. Identifiers: Orphanet 137667, MedGen C1842180, MONDO:0012016.
Basal cell carcinoma, susceptibility to, 1. Also called: BCC1. Identifiers: MedGen C2751544, MONDO:0011556, OMIM 605462.
Capillary malformation-arteriovenous malformation 1 (CMAVM1). Identifiers: Orphanet 137667, Orphanet 693907, MedGen C4747394, MONDO:0020783, OMIM 608354.

Allele frequency attached by ClinVar (database versions not stated): gnomAD exomes 0.00001.
gnomAD v4.1: 5 of 1,611,134 alleles (0.00031%); highest among the groups gnomAD compares: Non-Finnish European, 0.00042%; no homozygotes.

Submissions (2):

Labcorp Genetics (formerly Invitae), Labcorp
Classification: Uncertain significance for Capillary malformation-arteriovenous malformation syndrome. Last evaluated: 2022-07-14. Review status: criteria provided, single submitter. Criteria: Invitae Variant Classification Sherloc (09022015). Collection method: clinical testing. Allele origin: germline.
Comment: This variant has not been reported in the literature in individuals affected with RASA1-related conditions. This variant is not present in population databases (gnomAD no frequency). This sequence change replaces alanine, which is neutral and non-polar, with valine, which is neutral and non-polar, at codon 80 of the RASA1 protein (p.Ala80Val). ClinVar contains an entry for this variant (Variation ID: 1000681). Algorithms developed to predict the effect of missense changes on protein structure and function output the following: SIFT: "Tolerated"; PolyPhen-2: "Benign"; Align-GVGD: "Class C0". The valine amino acid residue is found in multiple mammalian species, which suggests that this missense change does not adversely affect protein function. In summary, the available evidence is currently insufficient to determine the role of this variant in disease. Therefore, it has been classified as a Variant of Uncertain Significance. Algorithms developed to predict the effect of sequence changes on RNA splicing suggest that this variant may create or strengthen a splice site.

Fulgent Genetics
Classification: Uncertain significance for Basal cell carcinoma, susceptibility to, 1; Capillary malformation-arteriovenous malformation 1. Last evaluated: 2021-10-27. Review status: criteria provided, single submitter. Criteria: ACMG Guidelines, 2015. Collection method: clinical testing. Allele origin: unknown.

NM_002890.3(RASA1):c.239C>T (p.Ala80Val)

Gene: RASA1 (RAS p21 protein activator 1; plus strand). Cytogenetic location: 5q14.3.
Variant type: single nucleotide variant.
Coding change: c.239C>T on transcript NM_002890.3 (MANE Select); coding-DNA position 239, C replaced by T.
Protein change: p.Ala80Val; replaces alanine 80 with valine.
Molecular consequence: missense variant.
Genome position (GRCh38, 1-based): chr5:87,268,690, C>T. VCF-style: chr5-87268690-C-T. GRCh37 (hg19) VCF-style: chr5-86564507-C-T.
Other names: short protein forms A80V.
Identifiers: ClinVar variation 1000681 (VCV001000681.10), dbSNP rs764720303, ClinGen allele CA360417039.